The following is an entry in ClinVar:

NM_000094.4(COL7A1):c.2557G>C (p.Gly853Arg)

Gene: COL7A1 (collagen type VII alpha 1 chain; minus strand). Cytogenetic location: 3p21.31.
Variant type: single nucleotide variant.
Coding change: c.2557G>C on transcript NM_000094.4 (MANE Select); coding-DNA position 2557, G replaced by C.
Protein change: p.Gly853Arg; replaces glycine 853 with arginine.
Molecular consequence: missense variant.
Genome position (GRCh38, 1-based): chr3:48,588,672, C>G on the plus strand (G>C on the coding strand, the complement: COL7A1 is on the minus strand). VCF-style: chr3-48588672-C-G. GRCh37 (hg19) VCF-style: chr3-48626105-C-G.
Other names: short protein forms G853R.
Identifiers: ClinVar variation 3694334 (VCV003694334.2).

ClinVar aggregate classification (germline): Uncertain significance (1 of 4 stars; one submission).

gnomAD v4.1: 1 of 1,613,858 alleles (0.000062%); no homozygotes.

Submission:

Labcorp Genetics (formerly Invitae), Labcorp
Classification: Uncertain significance. Last evaluated: 2025-01-29. Review status: criteria provided, single submitter. Criteria: Invitae Variant Classification Sherloc (09022015). Collection method: clinical testing. Allele origin: germline.
Comment: This sequence change replaces glycine, which is neutral and non-polar, with arginine, which is basic and polar, at codon 853 of the COL7A1 protein (p.Gly853Arg). This variant is not present in population databases (gnomAD no frequency). This variant has not been reported in the literature in individuals affected with COL7A1-related conditions. Invitae Evidence Modeling of protein sequence and biophysical properties (such as structural, functional, and spatial information, amino acid conservation, physicochemical variation, residue mobility, and thermodynamic stability) indicates that this missense variant is not expected to disrupt COL7A1 protein function with a negative predictive value of 95%. In summary, the available evidence is currently insufficient to determine the role of this variant in disease. Therefore, it has been classified as a Variant of Uncertain Significance.